The following is an entry in ClinVar:

NM_001348800.3(ZBTB20):c.463A>T (p.Ile155Phe)

Gene: ZBTB20 (zinc finger and BTB domain containing 20; minus strand). Cytogenetic location: 3q13.31.
Variant type: single nucleotide variant.
Coding change: c.463A>T on transcript NM_001348800.3 (MANE Select); coding-DNA position 463, A replaced by T.
Protein change: p.Ile155Phe; replaces isoleucine 155 with phenylalanine.
Molecular consequence: missense variant.
Genome position (GRCh38, 1-based): chr3:114,351,615, T>A on the plus strand (A>T on the coding strand, the complement: ZBTB20 is on the minus strand). VCF-style: chr3-114351615-T-A. GRCh37 (hg19) VCF-style: chr3-114070462-T-A.
Other names: c.463A>T, p.Ile155Phe (NM_001164342.2, NM_001348803.3, NM_001393393.1 and 1 more transcripts); c.244A>T, p.Ile82Phe (NM_001164343.2, NM_001164344.4, NM_001164345.4 and 9 more transcripts); short protein forms I155F, I82F.
Identifiers: ClinVar variation 2499401 (VCV002499401.1), dbSNP rs778036056, ClinGen allele CA354016857.

ClinVar aggregate classification (germline): Uncertain significance (1 of 4 stars; one submission).

Submission:

GeneDx
Classification: Uncertain significance. Last evaluated: 2022-10-12. Review status: criteria provided, single submitter. Criteria: GeneDx Variant Classification Process June 2021. Collection method: clinical testing. Allele origin: germline. Affected: yes.
Comment: Not observed at significant frequency in large population cohorts (gnomAD); In silico analysis supports that this missense variant does not alter protein structure/function; Has not been previously published as pathogenic or benign to our knowledge